The following is an entry in ClinVar:

ClinVar aggregate classification (germline): Uncertain significance (1 of 4 stars; one submission).

Allele frequency attached by ClinVar (database versions not stated): gnomAD exomes 0.00004; gnomAD 0.00005 and 0.00006; TOPMed 0.00005; ExAC 0.00009; ESP Exome Variant Server 0.00022.
gnomAD v4.1: 58 of 1,546,336 alleles (0.0038%); highest among the groups gnomAD compares: Non-Finnish European, 0.0049%; no homozygotes.

Submission:

Labcorp Genetics (formerly Invitae), Labcorp
Classification: Uncertain significance for Combined immunodeficiency due to DOCK8 deficiency. Last evaluated: 2024-12-18. Review status: criteria provided, single submitter. Criteria: Invitae Variant Classification Sherloc (09022015). Collection method: clinical testing. Allele origin: germline.
Comment: This sequence change affects codon 52 of the DOCK8 mRNA. It is a 'silent' change, meaning that it does not change the encoded amino acid sequence of the DOCK8 protein. It affects a nucleotide within the consensus splice site. This variant is present in population databases (rs201545102, gnomAD 0.007%). This variant has not been reported in the literature in individuals affected with DOCK8-related conditions. ClinVar contains an entry for this variant (Variation ID: 1024319). Algorithms developed to predict the effect of sequence changes on RNA splicing suggest that this variant is not likely to affect RNA splicing. In summary, the available evidence is currently insufficient to determine the role of this variant in disease. Therefore, it has been classified as a Variant of Uncertain Significance.

NM_203447.4(DOCK8):c.156A>G (p.Leu52=)

Gene: DOCK8 (dedicator of cytokinesis 8; plus strand). Cytogenetic location: 9p24.3.
Variant type: single nucleotide variant.
Coding change: c.156A>G on transcript NM_203447.4 (MANE Select); coding-DNA position 156, A replaced by G.
Protein change: p.Leu52=; no amino-acid change (leucine 52 retained).
Molecular consequence: synonymous variant.
Genome position (GRCh38, 1-based): chr9:271,729, A>G. VCF-style: chr9-271729-A-G. GRCh37 (hg19) VCF-style: chr9-271729-A-G.
Identifiers: ClinVar variation 1024319 (VCV001024319.7), dbSNP rs201545102, ClinGen allele CA4957104.